The following is an entry in ClinVar:

ClinVar aggregate classification (germline): Uncertain significance (1 of 4 stars; one submission).

Conditions:
Glycogen storage disease type III (GSD3). Also called: FORBES DISEASE; Cori disease. Identifiers: Orphanet 366, MedGen C0017922, MONDO:0009291, OMIM 232400.

Allele frequency attached by ClinVar (database versions not stated): TOPMed 0.00001; gnomAD 0.00002; gnomAD exomes 0.00002.
gnomAD v4.1: 27 of 1,613,796 alleles (0.0017%); highest among the groups gnomAD compares: Non-Finnish European, 0.0023%; no homozygotes.

Submission:

Labcorp Genetics (formerly Invitae), Labcorp
Classification: Uncertain significance for Glycogen storage disease type III. Last evaluated: 2022-10-03. Review status: criteria provided, single submitter. Criteria: Invitae Variant Classification Sherloc (09022015). Collection method: clinical testing. Allele origin: germline.
Comment: This sequence change replaces glutamic acid, which is acidic and polar, with valine, which is neutral and non-polar, at codon 202 of the AGL protein (p.Glu202Val). This variant is present in population databases (no rsID available, gnomAD 0.007%). This variant has not been reported in the literature in individuals affected with AGL-related conditions. Advanced modeling of protein sequence and biophysical properties (such as structural, functional, and spatial information, amino acid conservation, physicochemical variation, residue mobility, and thermodynamic stability) performed at Invitae indicates that this missense variant is not expected to disrupt AGL protein function. Algorithms developed to predict the effect of sequence changes on RNA splicing suggest that this variant may disrupt the consensus splice site. In summary, the available evidence is currently insufficient to determine the role of this variant in disease. Therefore, it has been classified as a Variant of Uncertain Significance.

NM_000642.3(AGL):c.605A>T (p.Glu202Val)

Gene: AGL (amylo-alpha-1,6-glucosidase and 4-alpha-glucanotransferase; plus strand). Cytogenetic location: 1p21.2.
Variant type: single nucleotide variant.
Coding change: c.605A>T on transcript NM_000642.3 (MANE Select); coding-DNA position 605, A replaced by T.
Protein change: p.Glu202Val; replaces glutamic acid 202 with valine.
Molecular consequence: missense variant.
Genome position (GRCh38, 1-based): chr1:99,864,530, A>T. VCF-style: chr1-99864530-A-T. GRCh37 (hg19) VCF-style: chr1-100330086-A-T.
Other names: c.605A>T, p.Glu202Val (NM_000028.3, NM_000643.3, NM_000644.3 and 3 more transcripts); c.557A>T, p.Glu186Val (NM_000646.3); c.227A>T, p.Glu76Val (NM_001425332.1); short protein forms E202V, E186V, E76V.
Identifiers: ClinVar variation 2042336 (VCV002042336.1), dbSNP rs1372975809, ClinGen allele CA341336127.